The following is an entry in ClinVar:

ClinVar aggregate classification (germline): Uncertain significance. Review status: criteria provided, multiple submitters, no conflicts (2 of 4 stars). 3 submissions from 3 submitters: Uncertain significance (3). Last evaluated 2024-08-19.

Conditions:
Joubert syndrome 23 (JBTS23). Identifiers: Orphanet 475, MedGen C4084822, MONDO:0014664, OMIM 616490.
Short-rib thoracic dysplasia 14 with polydactyly (SRTD14). Identifiers: Orphanet 397715, MedGen C4225286, MONDO:0014688, OMIM 616546.
Inborn genetic diseases. Identifiers: MedGen C0950123, MeSH D030342.

Allele frequency attached by ClinVar (database versions not stated): ExAC 0.00001; gnomAD 0.00001; gnomAD exomes 0.00001; TOPMed 0.00002.
gnomAD v4.1: 12 of 1,598,256 alleles (0.00075%); highest among the groups gnomAD compares: Middle Eastern, 0.017%; no homozygotes.

Submissions (3):

Labcorp Genetics (formerly Invitae), Labcorp
Classification: Uncertain significance for Joubert syndrome 23; Short-rib thoracic dysplasia 14 with polydactyly. Last evaluated: 2024-08-19. Review status: criteria provided, single submitter. Criteria: Invitae Variant Classification Sherloc (09022015). Collection method: clinical testing. Allele origin: germline.
Comment: This sequence change replaces isoleucine, which is neutral and non-polar, with valine, which is neutral and non-polar, at codon 874 of the KIAA0586 protein (p.Ile874Val). This variant is present in population databases (rs760936908, gnomAD 0.003%). This variant has not been reported in the literature in individuals affected with KIAA0586-related conditions. ClinVar contains an entry for this variant (Variation ID: 2185598). Invitae Evidence Modeling of protein sequence and biophysical properties (such as structural, functional, and spatial information, amino acid conservation, physicochemical variation, residue mobility, and thermodynamic stability) indicates that this missense variant is expected to disrupt KIAA0586 protein function with a positive predictive value of 80%. In summary, the available evidence is currently insufficient to determine the role of this variant in disease. Therefore, it has been classified as a Variant of Uncertain Significance.

Blueprint Genetics
Classification: Uncertain significance. Last evaluated: 2023-06-29. Review status: criteria provided, single submitter. Criteria: ACMG Guidelines, 2015. Collection method: clinical testing. Allele origin: germline.

Ambry Genetics
Classification: Uncertain significance for Inborn genetic diseases. Last evaluated: 2023-02-27. Review status: criteria provided, single submitter. Criteria: Ambry Variant Classification Scheme 2023. Collection method: clinical testing. Allele origin: germline.

NM_001329943.3(KIAA0586):c.2461A>G (p.Ile821Val)

Gene: KIAA0586 (KIAA0586; plus strand). Cytogenetic location: 14q23.1.
Variant type: single nucleotide variant.
Coding change: c.2461A>G on transcript NM_001329943.3 (MANE Select); coding-DNA position 2461, A replaced by G.
Protein change: p.Ile821Val; replaces isoleucine 821 with valine.
Molecular consequence: missense variant.
Genome position (GRCh38, 1-based): chr14:58,470,631, A>G. VCF-style: chr14-58470631-A-G. GRCh37 (hg19) VCF-style: chr14-58937349-A-G.
Other names: c.2620A>G, p.Ile874Val (NM_001244189.2); c.2416A>G, p.Ile806Val (NM_001244190.2); c.2206A>G, p.Ile736Val (NM_001244191.2, NM_001329945.2, NM_001364700.1 and 1 more transcripts); c.2329A>G, p.Ile777Val (NM_001244192.2); c.2041A>G, p.Ile681Val (NM_001244193.2); c.2461A>G, p.Ile821Val (NM_001329944.2, NM_001329946.2, NM_001329947.2); c.2233A>G, p.Ile745Val (NM_014749.5); c.2233A>G (NM_014749.3); short protein forms I681V, I821V, I874V, I736V, I745V, I777V, I806V.
Identifiers: ClinVar variation 2185598 (VCV002185598.7), dbSNP rs760936908, ClinGen allele CA7205887.